The following is an entry in ClinVar:

ClinVar aggregate classification (germline): Pathogenic (1 of 4 stars; one submission).

Conditions:
Nemaline myopathy 2 (NEM2). Also called: Nemaline myopathy 2, autosomal recessive. Identifiers: MedGen C1850569, MONDO:0009725, OMIM 256030.

Submission:

Labcorp Genetics (formerly Invitae), Labcorp
Classification: Pathogenic for Nemaline myopathy 2. Last evaluated: 2021-04-08. Review status: criteria provided, single submitter. Criteria: Invitae Variant Classification Sherloc (09022015). Collection method: clinical testing. Allele origin: germline.
Comment: This sequence change creates a premature translational stop signal (p.Tyr1820Glnfs*5) in the NEB gene. It is expected to result in an absent or disrupted protein product. Loss-of-function variants in NEB are known to be pathogenic (PMID: 25205138). This variant is not present in population databases (ExAC no frequency). For these reasons, this variant has been classified as Pathogenic. This variant has not been reported in the literature in individuals with NEB-related conditions.

Literature cited by the submitters: PubMed 25205138.

NM_001164508.2(NEB):c.5458_5459del (p.Tyr1820fs)

Gene: NEB (nebulin; minus strand). Cytogenetic location: 2q23.3.
Variant type: Deletion.
Coding change: c.5458_5459del on transcript NM_001164508.2 (MANE Select); coding-DNA positions 5458 to 5459, 2 bases deleted (TA; older notation c.5458_5459delTA).
Protein change: p.Tyr1820fs; shifts the reading frame from tyrosine 1820.
Molecular consequence: frameshift variant.
Genome position (GRCh38, 1-based): chr2:151,663,852-151,663,853, TA deleted on the plus strand (TA on the coding strand, the reverse complement: NEB is on the minus strand); deleting any 2 consecutive bases within chr2:151,663,852-151,663,854 gives the same sequence; the c. name uses the placement nearest the transcript's 3' end. VCF-style (leftmost placement, unchanged base first): chr2-151663851-GTA-G. GRCh37 (hg19) VCF-style: chr2-152520365-GTA-G.
Other names: c.5458_5459del, p.Tyr1820fs (NM_001164507.2, NM_001271208.2, NM_004543.5); short protein forms Y1820fs.
Identifiers: ClinVar variation 1386300 (VCV001386300.6), dbSNP rs2154172885, ClinGen allele CA2573133247.
Genomic context (GRCh38, chr2:151,663,851, plus strand): 5'-GTCATCTTCCAGGCTCCGGAAGCCAATGTGTTTCCCTTTGGCTTGTTCATAGGCTTTCTT[GTA>G]TTTGTACTGTGGACAGAGAAGAAATTATGGTGATGAAAATGGTAAAAGAGAACAAAGTAC-3'